The following is an entry in ClinVar:

ClinVar aggregate classification (germline): Uncertain significance (1 of 4 stars; one submission).

Conditions:
Myofibrillar myopathy 5. Also called: Filaminopathy (type); FILAMINOPATHY, AUTOSOMAL DOMINANT. Identifiers: Orphanet 171445, MedGen C1836050, MONDO:0012289, OMIM 609524.
Distal myopathy with posterior leg and anterior hand involvement. Also called: WILLIAMS DISTAL MYOPATHY. Identifiers: Orphanet 63273, MedGen C3279722, MONDO:0013550, OMIM 614065.
Hypertrophic cardiomyopathy 26. Also called: Cardiomyopathy, familial hypertrophic, 26. Identifiers: Orphanet 75249, MedGen C4310749, MONDO:0014883, OMIM 617047.

Submission:

Labcorp Genetics (formerly Invitae), Labcorp
Classification: Uncertain significance for Distal myopathy with posterior leg and anterior hand involvement; Myofibrillar myopathy 5; Hypertrophic cardiomyopathy 26. Last evaluated: 2021-10-13. Review status: criteria provided, single submitter. Criteria: Invitae Variant Classification Sherloc (09022015). Collection method: clinical testing. Allele origin: germline.
Comment: This variant has not been reported in the literature in individuals affected with FLNC-related conditions. This variant is not present in population databases (ExAC no frequency). This sequence change replaces lysine with glutamic acid at codon 2356 of the FLNC protein (p.Lys2356Glu). The lysine residue is highly conserved and there is a small physicochemical difference between lysine and glutamic acid. Algorithms developed to predict the effect of missense changes on protein structure and function are either unavailable or do not agree on the potential impact of this missense change (SIFT: "Deleterious"; PolyPhen-2: "Probably Damaging"; Align-GVGD: "Class C0"). In summary, the available evidence is currently insufficient to determine the role of this variant in disease. Therefore, it has been classified as a Variant of Uncertain Significance.

NM_001458.5(FLNC):c.7066A>G (p.Lys2356Glu)

Genes: FLNC (filamin C; plus strand), FLNC-AS1 (FLNC antisense RNA 1; minus strand). Cytogenetic location: 7q32.1.
Variant type: single nucleotide variant.
Coding change: c.7066A>G on transcript NM_001458.5 (MANE Select); coding-DNA position 7066, A replaced by G.
Protein change: p.Lys2356Glu; replaces lysine 2356 with glutamic acid.
Molecular consequence: missense variant.
Genome position (GRCh38, 1-based): chr7:128,854,843, A>G. VCF-style: chr7-128854843-A-G. GRCh37 (hg19) VCF-style: chr7-128494897-A-G.
Other names: c.6967A>G, p.Lys2323Glu (NM_001127487.2); short protein forms K2356E, K2323E.
Identifiers: ClinVar variation 1524893 (VCV001524893.6), dbSNP rs2128939626, ClinGen allele CA369215135.